The following is an entry in ClinVar:

NM_000744.7(CHRNA4):c.1369G>A (p.Ala457Thr)

Gene: CHRNA4 (cholinergic receptor nicotinic alpha 4 subunit; minus strand). Cytogenetic location: 20q13.33.
Variant type: single nucleotide variant.
Coding change: c.1369G>A on transcript NM_000744.7 (MANE Select); coding-DNA position 1369, G replaced by A.
Protein change: p.Ala457Thr; replaces alanine 457 with threonine.
Molecular consequence: missense variant. On other transcripts: non-coding transcript variant (1).
Genome position (GRCh38, 1-based): chr20:63,350,042, C>T on the plus strand (G>A on the coding strand, the complement: CHRNA4 is on the minus strand). VCF-style: chr20-63350042-C-T. GRCh37 (hg19) VCF-style: chr20-61981394-C-T.
Other names: c.1369G>A (NM_000744.6); c.841G>A, p.Ala281Thr (NM_001256573.2); short protein forms A457T, A281T.
Identifiers: ClinVar variation 373523 (VCV000373523.4), dbSNP rs753598324, ClinGen allele CA16043221.

ClinVar aggregate classification (germline): Uncertain significance. Review status: criteria provided, multiple submitters, no conflicts (2 of 4 stars). 2 submissions from 2 submitters: Uncertain significance (2). Last evaluated 2022-11-04.

Conditions:
Autosomal dominant nocturnal frontal lobe epilepsy 1. Also called: EPILEPSY, NOCTURNAL FRONTAL LOBE, TYPE 1; CHRNA4-Related Nocturnal Frontal Lobe Epilepsy, Autosomal Dominant. Identifiers: Orphanet 98784, MedGen C1838049, MONDO:0010899, OMIM 600513.

Submissions (2):

Revvity Omics, Revvity
Classification: Uncertain significance for Autosomal dominant nocturnal frontal lobe epilepsy 1. Last evaluated: 2022-11-04. Review status: criteria provided, single submitter. Criteria: ACMG Guidelines, 2015. Collection method: clinical testing. Allele origin: germline.

GeneDx
Classification: Uncertain significance. Last evaluated: 2016-12-13. Review status: criteria provided, single submitter. Criteria: GeneDx Variant Classification (06012015). Collection method: clinical testing. Allele origin: germline. Affected: yes.
Comment: The A457T variant in the CHRNA4 gene has not been reported previously as a pathogenic variant, nor as a benign variant, to our knowledge. The A457T variant was not observed in approximately 6200 individuals of European and African American ancestry in the NHLBI Exome Sequencing Project, indicating it is not a common benign variant in these populations. The A457T variant is a non-conservative amino acid substitution, which is likely to impact secondary protein structure as these residues differ in polarity, charge, size and/or other properties. However, this substitution occurs at a position that is not conserved, and in silico analysis predicts this variant likely does not alter the protein structure/function. We interpret A457T as a variant of uncertain significance.